The following is an entry in ClinVar:

NM_058216.3(RAD51C):c.418G>C (p.Val140Leu)

Gene: RAD51C (RAD51 paralog C; plus strand). Cytogenetic location: 17q22.
Variant type: single nucleotide variant.
Coding change: c.418G>C on transcript NM_058216.3 (MANE Select); coding-DNA position 418, G replaced by C.
Protein change: p.Val140Leu; replaces valine 140 with leucine.
Molecular consequence: missense variant.
Genome position (GRCh38, 1-based): chr17:58,696,706, G>C. VCF-style: chr17-58696706-G-C. GRCh37 (hg19) VCF-style: chr17-56774067-G-C.
Other names: short protein forms V140L.
Identifiers: ClinVar variation 478779 (VCV000478779.9), dbSNP rs730881938, ClinGen allele CA400343821.

ClinVar aggregate classification (germline): Uncertain significance. Review status: criteria provided, multiple submitters, no conflicts (2 of 4 stars). 2 submissions from 2 submitters: Uncertain significance (2). Last evaluated 2023-09-20.

Conditions:
Hereditary cancer-predisposing syndrome. Also called: Tumor predisposition; Neoplastic Syndromes, Hereditary; Hereditary Cancer Syndrome; Hereditary neoplastic syndrome. Identifiers: Orphanet 140162, MedGen C0027672, MeSH D009386, MONDO:0015356.
Fanconi anemia complementation group O. Also called: RAD51C-Related Fanconi Anemia. Identifiers: Orphanet 84, MedGen C3150653, MONDO:0013248, OMIM 613390.

Allele frequency attached by ClinVar (database versions not stated): gnomAD 0.00001.
gnomAD v4.1: 1 of 1,614,066 alleles (0.000062%); highest among the groups gnomAD compares: African/African-American, 0.0013%; no homozygotes.

Submissions (2):

Ambry Genetics
Classification: Uncertain significance for Hereditary cancer-predisposing syndrome. Last evaluated: 2023-09-20. Review status: criteria provided, single submitter. Criteria: Ambry Variant Classification Scheme 2023. Collection method: clinical testing. Allele origin: germline.
Comment: The p.V140L variant (also known as c.418G>C), located in coding exon 3 of the RAD51C gene, results from a G to C substitution at nucleotide position 418. The valine at codon 140 is replaced by leucine, an amino acid with highly similar properties. This amino acid position is not well conserved in available vertebrate species. In addition, this alteration is predicted to be tolerated by in silico analysis. Since supporting evidence is limited at this time, the clinical significance of this alteration remains unclear.

Labcorp Genetics (formerly Invitae), Labcorp
Classification: Uncertain significance for Fanconi anemia complementation group O. Last evaluated: 2021-11-30. Review status: criteria provided, single submitter. Criteria: Invitae Variant Classification Sherloc (09022015). Collection method: clinical testing. Allele origin: germline.
Comment: In summary, the available evidence is currently insufficient to determine the role of this variant in disease. Therefore, it has been classified as a Variant of Uncertain Significance. Advanced modeling of protein sequence and biophysical properties (such as structural, functional, and spatial information, amino acid conservation, physicochemical variation, residue mobility, and thermodynamic stability) performed at Invitae indicates that this missense variant is expected to disrupt RAD51C protein function. ClinVar contains an entry for this variant (Variation ID: 478779). This variant has not been reported in the literature in individuals affected with RAD51C-related conditions. This variant is present in population databases (no rsID available, gnomAD 0.01%). This sequence change replaces valine, which is neutral and non-polar, with leucine, which is neutral and non-polar, at codon 140 of the RAD51C protein (p.Val140Leu).